The following is an entry in ClinVar:

ClinVar aggregate classification (germline): Conflicting classifications of pathogenicity. Review status: criteria provided, conflicting classifications (1 of 4 stars). 4 submissions from 4 submitters: Uncertain significance (2); Likely benign (2). Last evaluated 2025-10-01.

Conditions:
Inborn genetic diseases. Identifiers: MedGen C0950123, MeSH D030342.
Intellectual developmental disorder, X-linked, syndromic, Snyder-Robinson type. Also called: Spermine synthase deficiency; Syndromic X-linked intellectual disability Snyder type; SNYDER-ROBINSON MENTAL RETARDATION SYNDROME; X-linked mental retardation Snyder - Robinson type. Identifiers: Orphanet 3063, MedGen C0796160, MONDO:0010664, OMIM 309583.

Allele frequency attached by ClinVar (database versions not stated): TOPMed below 0.00001; ExAC 0.00002; gnomAD exomes 0.00002.
gnomAD v4.1: 9 of 1,200,540 alleles (0.00075%); highest among the groups gnomAD compares: Middle Eastern, 0.055%; no homozygotes.

Submissions (4):

CeGaT Center for Human Genetics Tuebingen
Classification: Likely benign. Last evaluated: 2025-10-01. Review status: criteria provided, single submitter. Criteria: CeGaT Center For Human Genetics Tuebingen Variant Classification Criteria Version 2. Collection method: clinical testing. Allele origin: germline. Affected: yes. Observed: 1 variant allele.
Comment: SMS: BS2

Ambry Genetics
Classification: Likely benign for Inborn genetic diseases. Last evaluated: 2023-08-08. Review status: criteria provided, single submitter. Criteria: Ambry Variant Classification Scheme 2023. Collection method: clinical testing. Allele origin: germline.

Blueprint Genetics
Classification: Uncertain significance. Last evaluated: 2022-11-04. Review status: criteria provided, single submitter. Criteria: ACMG Guidelines, 2015. Collection method: clinical testing. Allele origin: germline.

Baylor Genetics
Classification: Uncertain significance for Intellectual developmental disorder, X-linked, syndromic, Snyder-Robinson type. Last evaluated: 2020-11-13. Review status: criteria provided, single submitter. Criteria: ACMG Guidelines, 2015. Collection method: clinical testing. Allele origin: unknown. Affected: yes.
Comment: This variant was determined to be of uncertain significance according to ACMG Guidelines, 2015 [PMID:25741868].

NM_004595.5(SMS):c.1019A>G (p.Glu340Gly)

Gene: SMS (spermine synthase; plus strand). Cytogenetic location: Xp22.11.
Variant type: single nucleotide variant.
Coding change: c.1019A>G on transcript NM_004595.5 (MANE Select); coding-DNA position 1019, A replaced by G.
Protein change: p.Glu340Gly; replaces glutamic acid 340 with glycine.
Molecular consequence: missense variant.
Genome position (GRCh38, 1-based): chrX:21,992,670, A>G. VCF-style: chrX-21992670-A-G. GRCh37 (hg19) VCF-style: chrX-22010788-A-G.
Other names: c.860A>G, p.Glu287Gly (NM_001258423.2); short protein forms E287G, E340G.
Identifiers: ClinVar variation 1028274 (VCV001028274.10), dbSNP rs751460863, ClinGen allele CA10367905.
Genomic context (GRCh38, chrX:21,992,670, plus strand): 5'-ATCTGACAGAAGCACTGTCGCTCTATGAAGAACAGCTGGGGCGCCTGTATTGTCCTGTGG[A>G]ATTTTCAAAGGAGATCGTCTGTGTCCCTTCATACTTGGAATTGTATCCTTTGACCGTGAC-3'
Protein context (NP_004586.2, residues 330-350): EQLGRLYCPV[Glu340Gly]FSKEIVCVPS